The following is an entry in ClinVar:

ClinVar aggregate classification (germline): Uncertain significance (1 of 4 stars; one submission).

Submission:

Labcorp Genetics (formerly Invitae), Labcorp
Classification: Uncertain significance. Last evaluated: 2022-05-17. Review status: criteria provided, single submitter. Criteria: Invitae Variant Classification Sherloc (09022015). Collection method: clinical testing. Allele origin: germline.
Comment: In summary, the available evidence is currently insufficient to determine the role of this variant in disease. Therefore, it has been classified as a Variant of Uncertain Significance. Algorithms developed to predict the effect of missense changes on protein structure and function are either unavailable or do not agree on the potential impact of this missense change (SIFT: "Tolerated"; PolyPhen-2: "Probably Damaging"; Align-GVGD: "Class C0"). This variant has not been reported in the literature in individuals affected with SLC26A3-related conditions. This variant is not present in population databases (gnomAD no frequency). This sequence change replaces proline, which is neutral and non-polar, with threonine, which is neutral and polar, at codon 240 of the SLC26A3 protein (p.Pro240Thr).

NM_000111.3(SLC26A3):c.718C>A (p.Pro240Thr)

Gene: SLC26A3 (solute carrier family 26 member 3; minus strand). Cytogenetic location: 7q22.3.
Variant type: single nucleotide variant.
Coding change: c.718C>A on transcript NM_000111.3 (MANE Select); coding-DNA position 718, C replaced by A.
Protein change: p.Pro240Thr; replaces proline 240 with threonine.
Molecular consequence: missense variant.
Genome position (GRCh38, 1-based): chr7:107,789,541, G>T on the plus strand (C>A on the coding strand, the complement: SLC26A3 is on the minus strand). VCF-style: chr7-107789541-G-T. GRCh37 (hg19) VCF-style: chr7-107429986-G-T.
Other names: short protein forms P240T.
Identifiers: ClinVar variation 2043233 (VCV002043233.4), dbSNP rs2535471186, ClinGen allele CA368853107.